The following is an entry in ClinVar:

NM_007286.6(SYNPO):c.2453C>T (p.Ala818Val)

Gene: SYNPO (synaptopodin; plus strand). Cytogenetic location: 5q33.1.
Variant type: single nucleotide variant.
Coding change: c.2453C>T on transcript NM_007286.6 (MANE Select); coding-DNA position 2453, C replaced by T.
Protein change: p.Ala818Val; replaces alanine 818 with valine.
Molecular consequence: missense variant.
Genome position (GRCh38, 1-based): chr5:150,656,828, C>T. VCF-style: chr5-150656828-C-T. GRCh37 (hg19) VCF-style: chr5-150036390-C-T.
Other names: c.2453C>T (NM_007286.5); short protein forms A818V.
Identifiers: ClinVar variation 1400955 (VCV001400955.7), dbSNP rs369728871, ClinGen allele CA3513616.

ClinVar aggregate classification (germline): Uncertain significance. Review status: criteria provided, multiple submitters, no conflicts (2 of 4 stars). 2 submissions from 2 submitters: Uncertain significance (2). Last evaluated 2025-09-09.

Allele frequency attached by ClinVar (database versions not stated): gnomAD 0.00001 and 0.00010; ExAC 0.00035; 1000 Genomes Project 30x 0.00094; 1000 Genomes Project 0.00100.
gnomAD v4.1: 61 of 1,469,204 alleles (0.0042%); highest among the groups gnomAD compares: East Asian, 0.052%; no homozygotes.

Submissions (2):

Ambry Genetics
Classification: Uncertain significance. Last evaluated: 2025-09-09. Review status: criteria provided, single submitter. Criteria: Ambry Variant Classification Scheme 2023. Collection method: clinical testing. Allele origin: germline.

Labcorp Genetics (formerly Invitae), Labcorp
Classification: Uncertain significance. Last evaluated: 2025-06-24. Review status: criteria provided, single submitter. Criteria: Invitae Variant Classification Sherloc (09022015). Collection method: clinical testing. Allele origin: germline.
Comment: This sequence change replaces alanine, which is neutral and non-polar, with valine, which is neutral and non-polar, at codon 818 of the SYNPO protein (p.Ala818Val). This variant is present in population databases (rs369728871, gnomAD 0.05%). This variant has not been reported in the literature in individuals affected with SYNPO-related conditions. ClinVar contains an entry for this variant (Variation ID: 1400955). An algorithm developed to predict the effect of missense changes on protein structure and function (PolyPhen-2) suggests that this variant is likely to be tolerated. In summary, the available evidence is currently insufficient to determine the role of this variant in disease. Therefore, it has been classified as a Variant of Uncertain Significance.